The following is an entry in ClinVar:

ClinVar aggregate classification (germline): Uncertain significance (1 of 4 stars; one submission).

Conditions:
Joubert syndrome. Also called: JOUBERT-BOLTSHAUSER SYNDROME; Familial aplasia of the vermis. Identifiers: Orphanet 475, MedGen C5979921, MONDO:0018772.
Meckel-Gruber syndrome. Also called: Dysencephalia splachnocystica; DYSENCEPHALIA SPLANCHNOCYSTICA; GRUBER SYNDROME. Identifiers: Orphanet 564, MedGen C0265215, MONDO:0018921.

Allele frequency attached by ClinVar (database versions not stated): gnomAD 0.00001; gnomAD exomes 0.00001; TOPMed 0.00001; ExAC 0.00002.
gnomAD v4.1: 12 of 1,601,280 alleles (0.00075%); highest among the groups gnomAD compares: South Asian, 0.0011%; no homozygotes.

Submission:

Labcorp Genetics (formerly Invitae), Labcorp
Classification: Uncertain significance for Joubert syndrome; Meckel-Gruber syndrome. Last evaluated: 2021-08-27. Review status: criteria provided, single submitter. Criteria: Invitae Variant Classification Sherloc (09022015). Collection method: clinical testing. Allele origin: germline.
Comment: This sequence change replaces serine with asparagine at codon 1352 of the CC2D2A protein (p.Ser1352Asn). The serine residue is moderately conserved and there is a small physicochemical difference between serine and asparagine. This variant is present in population databases (rs749491270, ExAC 0.006%). This variant has not been reported in the literature in individuals affected with CC2D2A-related conditions. Algorithms developed to predict the effect of missense changes on protein structure and function (SIFT, PolyPhen-2, Align-GVGD) all suggest that this variant is likely to be tolerated. In summary, the available evidence is currently insufficient to determine the role of this variant in disease. Therefore, it has been classified as a Variant of Uncertain Significance.

NM_001378615.1(CC2D2A):c.4055G>A (p.Ser1352Asn)

Genes: CC2D2A (coiled-coil and C2 domain containing 2A; plus strand), FBXL5 (F-box and leucine rich repeat protein 5; minus strand). Cytogenetic location: 4p15.32.
Variant type: single nucleotide variant.
Coding change: c.4055G>A on transcript NM_001378615.1 (MANE Select); coding-DNA position 4055, G replaced by A.
Protein change: p.Ser1352Asn; replaces serine 1352 with asparagine.
Molecular consequence: missense variant.
Genome position (GRCh38, 1-based): chr4:15,586,236, G>A. VCF-style: chr4-15586236-G-A. GRCh37 (hg19) VCF-style: chr4-15587859-G-A.
Other names: c.4055G>A, p.Ser1352Asn (NM_001080522.2); c.3908G>A, p.Ser1303Asn (NM_001378617.1); short protein forms S1303N, S1352N.
Identifiers: ClinVar variation 1039950 (VCV001039950.6), dbSNP rs749491270, ClinGen allele CA2864289.